The following is an entry in ClinVar:

ClinVar aggregate classification (germline): Pathogenic/Likely pathogenic. Review status: criteria provided, multiple submitters, no conflicts (2 of 4 stars). 3 submissions from 3 submitters: Pathogenic (1); Likely pathogenic (2). Last evaluated 2026-02-23.

Conditions:
Asphyxiating thoracic dystrophy 2 (SRTD2). Also called: SHORT-RIB THORACIC DYSPLASIA 2 WITH OR WITHOUT POLYDACTYLY; SHORT-RIB THORACIC DYSPLASIA 2 WITH POLYDACTYLY; SHORT-RIB THORACIC DYSPLASIA 2 WITHOUT POLYDACTYLY. Identifiers: Orphanet 474, MedGen C1970005, MONDO:0012644, OMIM 611263.
Jeune thoracic dystrophy. Also called: Short-rib thoracic dysplasia; Jeune syndrome; Infantile thoracic dystrophy; Thoracic pelvic phalangeal dystrophy; Jeune's syndrome; Chondroectodermal dysplasia-like syndrome. Identifiers: Orphanet 474, MedGen C0265275, MONDO:0018770.
IFT80-related disorder. Also called: IFT80-related condition.

gnomAD v4.1: 30 of 1,596,160 alleles (0.0019%); highest among the groups gnomAD compares: African/African-American, 0.0054%; no homozygotes.

Submissions (3):

PreventionGenetics, part of Exact Sciences
Classification: Likely pathogenic for IFT80-related condition. Last evaluated: 2026-02-23. Review status: criteria provided, single submitter. Criteria: ACMG Guidelines, 2015. Collection method: clinical testing. Allele origin: germline.
Comment: The IFT80 c.1483C>T variant is predicted to result in premature protein termination (p.Arg495*). To our knowledge, this variant has not been reported in the literature. This variant is reported in 0.0041% of alleles in individuals of African descent in gnomAD. Nonsense variants in IFT80 are expected to be pathogenic. This variant is interpreted as likely pathogenic.

Fulgent Genetics
Classification: Likely pathogenic for Asphyxiating thoracic dystrophy 2. Last evaluated: 2024-02-15. Review status: criteria provided, single submitter. Criteria: ACMG Guidelines, 2015. Collection method: clinical testing. Allele origin: germline.

Labcorp Genetics (formerly Invitae), Labcorp
Classification: Pathogenic for Jeune thoracic dystrophy. Last evaluated: 2022-12-20. Review status: criteria provided, single submitter. Criteria: Invitae Variant Classification Sherloc (09022015). Collection method: clinical testing. Allele origin: germline.
Comment: This sequence change creates a premature translational stop signal (p.Arg495*) in the IFT80 gene. It is expected to result in an absent or disrupted protein product. Loss-of-function variants in IFT80 are known to be pathogenic (PMID: 21227999, 23339108, 29068549). This variant is present in population databases (rs369779153, gnomAD 0.004%). This variant has not been reported in the literature in individuals affected with IFT80-related conditions. Algorithms developed to predict the effect of sequence changes on RNA splicing suggest that this variant may disrupt the consensus splice site. For these reasons, this variant has been classified as Pathogenic.

Literature cited by the submitters: PubMed 21227999 (cited by Labcorp Genetics (formerly Invitae), Labcorp); PubMed 23339108 (cited by Labcorp Genetics (formerly Invitae), Labcorp); PubMed 29068549 (cited by Labcorp Genetics (formerly Invitae), Labcorp).

NM_020800.3(IFT80):c.1483C>T (p.Arg495Ter)

Genes: TRIM59-IFT80 (TRIM59-IFT80 readthrough (NMD candidate); minus strand), IFT80 (intraflagellar transport 80; minus strand). Cytogenetic location: 3q25.33.
Variant type: single nucleotide variant.
Coding change: c.1483C>T on transcript NM_020800.3 (MANE Select); coding-DNA position 1483, C replaced by T.
Protein change: p.Arg495Ter; replaces arginine 495 with a stop codon.
Molecular consequence: nonsense. On other transcripts: non-coding transcript variant (3).
Genome position (GRCh38, 1-based): chr3:160,282,511, G>A on the plus strand (C>T on the coding strand, the complement: IFT80 is on the minus strand). VCF-style: chr3-160282511-G-A. GRCh37 (hg19) VCF-style: chr3-160000299-G-A.
Other names: c.1072C>T, p.Arg358Ter (NM_001190241.2, NM_001190242.2); c.1483C>T (NM_020800.2); short protein forms R358*, R495*.
Identifiers: ClinVar variation 2181200 (VCV002181200.6), dbSNP rs369779153, ClinGen allele CA2685142.